The following is an entry in ClinVar:

NM_153816.6(SNX14):c.295C>T (p.His99Tyr)

Gene: SNX14 (sorting nexin 14; minus strand). Cytogenetic location: 6q14.3.
Variant type: single nucleotide variant.
Coding change: c.295C>T on transcript NM_153816.6 (MANE Select); coding-DNA position 295, C replaced by T.
Protein change: p.His99Tyr; replaces histidine 99 with tyrosine.
Molecular consequence: missense variant. On other transcripts: 5 prime UTR variant (9), non-coding transcript variant (6).
Genome position (GRCh38, 1-based): chr6:85,572,341, G>A on the plus strand (C>T on the coding strand, the complement: SNX14 is on the minus strand). VCF-style: chr6-85572341-G-A. GRCh37 (hg19) VCF-style: chr6-86282059-G-A.
Other names: c.292C>T, p.His98Tyr (NM_001350537.2, NM_001350533.2, NM_001350534.2 and 1 more transcripts); c.295C>T, p.His99Tyr (NM_001350538.2, NM_001350540.2, NM_001350541.2 and 3 more transcripts); c.136C>T, p.His46Tyr (NM_001350539.2, NM_001350543.2); c.139C>T, p.His47Tyr (NM_001350542.2, NM_001350544.2, NM_001304479.2); c.-106C>T (NM_001350545.2, NM_001350546.2); c.-671C>T (NM_001350547.2); c.-725C>T (NM_001350548.2); c.-857C>T (NM_001350549.2, NM_001350550.2, NM_001350553.2); and 3 more; short protein forms H120Y, H46Y, H47Y, H98Y, H99Y.
Identifiers: ClinVar variation 1297473 (VCV001297473.1), dbSNP rs1795901647, ClinGen allele CA364903053.

ClinVar aggregate classification (germline): Uncertain significance (1 of 4 stars; one submission).

Conditions:
Autosomal recessive spinocerebellar ataxia 20. Identifiers: Orphanet 397709, MedGen C5190595, MONDO:0014601, OMIM 616354.

Allele frequency attached by ClinVar (database versions not stated): TOPMed below 0.00001.
gnomAD v4.1: 2 of 1,613,210 alleles (0.00012%); highest among the groups gnomAD compares: Middle Eastern, 0.017%; no homozygotes.

Submission:

Breda Genetics srl
Classification: Uncertain significance for Autosomal recessive spinocerebellar ataxia 20. Last evaluated: 2021-09-03. Review status: criteria provided, single submitter. Criteria: ACMG Guidelines, 2015. Collection method: clinical testing. Allele origin: germline. Inheritance: Autosomal recessive inheritance. Affected: yes. Observed: 1 variant allele, 1 heterozygote.
Comment: Based on allele frequency, in-silico prediction scores and a certain overlap with the clinical phenotype, we interpreted this variant at least as of uncertain significance. The lack of one or more of the following features has discouraged further investigations: lack of a possible second hit in autosomal recessive conditions, presence of healthy controls in databases for autosomal dominant conditions, presence of unmatching cardinal clinical features in the patient or in the known gene-disease association, and/or variant type outside the known gene mutational spectrum.